The following is an entry in ClinVar:

NM_001113407.3(LDB1):c.1068del (p.Arg356fs)

Gene: LDB1 (LIM domain binding 1; minus strand). Cytogenetic location: 10q24.32.
Variant type: Deletion.
Coding change: c.1068del on transcript NM_001113407.3 (MANE Select); coding-DNA position 1068, one base deleted (G; older notation c.1068delG).
Protein change: p.Arg356fs; shifts the reading frame from arginine 356.
Molecular consequence: frameshift variant.
Genome position (GRCh38, 1-based): chr10:102,108,261, C deleted on the plus strand (G on the coding strand, the reverse complement: LDB1 is on the minus strand); the first of 2 consecutive C bases (chr10:102,108,261-102,108,262); deleting either gives the same sequence. VCF-style (leftmost placement, unchanged base first): chr10-102108260-GC-G. GRCh37 (hg19) VCF-style: chr10-103868017-GC-G.
Other names: c.1062del, p.Arg354fs (NM_001321612.2); c.960del, p.Arg320fs (NM_003893.5); short protein forms R320fs, R354fs, R356fs.
Identifiers: ClinVar variation 4818731 (VCV004818731.1).

ClinVar aggregate classification (germline): Pathogenic (1 of 4 stars; one submission).

Conditions:
Autosomal dominant non-syndromic intellectual disability. Identifiers: Orphanet 178469, MedGen C5680502, MONDO:0015802.

Submission:

Department of Human Genetics, University Hospital Bern, Inselspital
Classification: Pathogenic for Autosomal dominant non-syndromic intellectual disability. Last evaluated: 2026-03-23. Review status: criteria provided, single submitter. Criteria: ACMG Guidelines, 2015. Collection method: clinical testing. Allele origin: de novo. Affected: yes.
Comment: The C-terminal truncating variant likely escapes nonsense mediated mRNA decay and affects a the important LIM interacting domain . Functional assays showed that it impairs interaction with LIM proteins in a dominant negative manner. In summary, criteria PVS1_Strong, PS3, PM2_Supporting were used.